The following is an entry in ClinVar:

NM_020340.5(ARFGEF3):c.4842G>A (p.Ala1614=)

Gene: ARFGEF3 (ARFGEF family member 3; plus strand). Cytogenetic location: 6q24.1.
Variant type: single nucleotide variant.
Coding change: c.4842G>A on transcript NM_020340.5 (MANE Select); coding-DNA position 4842, G replaced by A.
Protein change: p.Ala1614=; no amino-acid change (alanine 1614 retained).
Molecular consequence: synonymous variant.
Genome position (GRCh38, 1-based): chr6:138,323,746, G>A. VCF-style: chr6-138323746-G-A. GRCh37 (hg19) VCF-style: chr6-138644883-G-A.
Identifiers: ClinVar variation 780648 (VCV000780648.5), dbSNP rs61748670, ClinGen allele CA4021476.

ClinVar aggregate classification (germline): Benign. Review status: criteria provided, single submitter (1 of 4 stars). 2 submissions from 2 submitters: Benign (1). 1 of the submissions does not count toward it. Last evaluated 2017-08-15.

Conditions:
ARFGEF3-related disorder. Also called: ARFGEF3-related condition.

Allele frequency attached by ClinVar (database versions not stated): gnomAD exomes 0.00103 and 0.00264; ExAC 0.00330; gnomAD 0.01053 and 0.01131; 1000 Genomes Project 30x 0.01093; 1000 Genomes Project 0.01098; ESP Exome Variant Server 0.01107; TOPMed 0.01175.
gnomAD v4.1: 3,170 of 1,613,960 alleles (0.2%); highest among the groups gnomAD compares: African/African-American, 3.7%; 50 homozygotes.

Submissions (2):

Labcorp Genetics (formerly Invitae), Labcorp
Classification: Benign. Last evaluated: 2017-08-15. Review status: criteria provided, single submitter. Criteria: Invitae Variant Classification Sherloc (09022015). Collection method: clinical testing. Allele origin: germline.

PreventionGenetics, part of Exact Sciences
Classification: Benign for ARFGEF3-related condition. Last evaluated: 2019-03-26. Review status: no assertion criteria provided. Collection method: clinical testing. Allele origin: germline. Not counted in ClinVar's aggregate classification.
Comment: This variant is classified as benign based on ACMG/AMP sequence variant interpretation guidelines (Richards et al. 2015 PMID: 25741868, with internal and published modifications).